The following is an entry in ClinVar:

NC_000020.10:g.(?_44756757)_(44757679_?)del

Gene: CD40 (CD40 molecule; plus strand). Cytogenetic location: 20q13.12.
Variant type: Deletion.
Identifiers: ClinVar variation 3248326 (VCV003248326.1).

ClinVar aggregate classification (germline): Uncertain significance (1 of 4 stars; one submission).

Submission:

Labcorp Genetics (formerly Invitae), Labcorp
Classification: Uncertain significance. Last evaluated: 2023-05-24. Review status: criteria provided, single submitter. Criteria: Invitae Variant Classification Sherloc (09022015). Collection method: clinical testing. Allele origin: unknown.
Comment: This variant is a gross deletion of the genomic region encompassing exon(s) 7-9 of the CD40 gene, which includes the termination codon. This deletion extends beyond the assayed region for this gene and therefore may encompass additional genes. While this deletion is not anticipated to lead to nonsense mediated decay, it is expected to alter mRNA translation or result in a truncated protein product. This variant has not been reported in the literature in individuals affected with CD40-related conditions. In summary, the available evidence is currently insufficient to determine the role of this variant in disease. Therefore, it has been classified as a Variant of Uncertain Significance.